The following is an entry in ClinVar:

ClinVar aggregate classification (germline): Uncertain significance. Review status: criteria provided, multiple submitters, no conflicts (2 of 4 stars). 5 submissions from 5 submitters: Uncertain significance (5). Last evaluated 2025-08-20.

Conditions:
ADGRV1-related disorder. Also called: ADGRV1-related condition; ADGRV1-related disorders.
Usher syndrome type 2C. Also called: Usher syndrome, type 2B; USHER SYNDROME, TYPE IIC. Identifiers: Orphanet 231178, Orphanet 886, MedGen C2931213, MONDO:0011558, OMIM 605472.
Febrile seizures, familial, 4 (FEB4). Also called: CONVULSIONS, FAMILIAL FEBRILE, 4. Identifiers: MedGen C1858493, MONDO:0011443, OMIM 604352.

Allele frequency attached by ClinVar (database versions not stated): gnomAD exomes below 0.00001; ExAC 0.00001; gnomAD 0.00001; TOPMed 0.00001.
gnomAD v4.1: 10 of 1,604,754 alleles (0.00062%); highest among the groups gnomAD compares: Middle Eastern, 0.082%; no homozygotes.

Submissions (5):

Labcorp Genetics (formerly Invitae), Labcorp
Classification: Uncertain significance. Last evaluated: 2025-08-20. Review status: criteria provided, single submitter. Criteria: Invitae Variant Classification Sherloc (09022015). Collection method: clinical testing. Allele origin: germline.
Comment: This sequence change replaces glycine, which is neutral and non-polar, with glutamic acid, which is acidic and polar, at codon 3489 of the ADGRV1 protein (p.Gly3489Glu). This variant is present in population databases (rs780372483, gnomAD 0.007%). This variant has not been reported in the literature in individuals affected with ADGRV1-related conditions. ClinVar contains an entry for this variant (Variation ID: 228703). Invitae Evidence Modeling of protein sequence and biophysical properties (such as structural, functional, and spatial information, amino acid conservation, physicochemical variation, residue mobility, and thermodynamic stability) indicates that this missense variant is not expected to disrupt ADGRV1 protein function with a negative predictive value of 80%. In summary, the available evidence is currently insufficient to determine the role of this variant in disease. Therefore, it has been classified as a Variant of Uncertain Significance.

PreventionGenetics, part of Exact Sciences
Classification: Uncertain significance for ADGRV1-related condition. Last evaluated: 2024-10-25. Review status: criteria provided, single submitter. Criteria: ACMG Guidelines, 2015. Collection method: clinical testing. Allele origin: germline.
Comment: The ADGRV1 c.10466G>A variant is predicted to result in the amino acid substitution p.Gly3489Glu. To our knowledge, this variant has not been reported in the literature. This variant is reported in 0.0065% of alleles in individuals of African descent in gnomAD. At this time, the clinical significance of this variant is uncertain due to the absence of conclusive functional and genetic evidence.

Fulgent Genetics
Classification: Uncertain significance for Febrile seizures, familial, 4; Usher syndrome type 2C. Last evaluated: 2022-03-07. Review status: criteria provided, single submitter. Criteria: ACMG Guidelines, 2015. Collection method: clinical testing. Allele origin: unknown.

GeneDx
Classification: Uncertain significance. Last evaluated: 2019-11-05. Review status: criteria provided, single submitter. Criteria: GeneDx Variant Classification Process June 2021. Collection method: clinical testing. Allele origin: germline. Affected: yes.
Comment: Has not been previously published as pathogenic or benign to our knowledge; In silico analysis, which includes protein predictors and evolutionary conservation, supports that this variant does not alter protein structure/function

Laboratory for Molecular Medicine, Mass General Brigham Personalized Medicine
Classification: Uncertain significance. Last evaluated: 2017-05-16. Review status: criteria provided, single submitter. Criteria: LMM Criteria. Collection method: clinical testing. Allele origin: germline. Observed: 2 variant alleles.
Comment: The p.Gly3489Glu variant in GPR98 has not been previously reported in individual s with hearing loss, but has been identified in 1/15182 African chromosomes by t he Genome Aggregation Database (gnomAD; dbSNP rs780372483). Although this variant has been seen in the general population, its frequency is not high enough to rule out a pathogenic role. Computational predi ction tools and conservation analyses do not provide strong support for or again st an impact to the protein. In summary, the clinical significance of the p.Gly3 489Glu variant is uncertain.

NM_032119.4(ADGRV1):c.10466G>A (p.Gly3489Glu)

Gene: ADGRV1 (adhesion G protein-coupled receptor V1; plus strand). Cytogenetic location: 5q14.3.
Variant type: single nucleotide variant.
Coding change: c.10466G>A on transcript NM_032119.4 (MANE Select); coding-DNA position 10466, G replaced by A.
Protein change: p.Gly3489Glu; replaces glycine 3489 with glutamic acid.
Molecular consequence: missense variant. On other transcripts: non-coding transcript variant (1).
Genome position (GRCh38, 1-based): chr5:90,729,681, G>A. VCF-style: chr5-90729681-G-A. GRCh37 (hg19) VCF-style: chr5-90025498-G-A.
Other names: short protein forms G3489E.
Identifiers: ClinVar variation 228703 (VCV000228703.14), dbSNP rs780372483, ClinGen allele CA3340753.